The following is an entry in ClinVar:

ClinVar aggregate classification (germline): Uncertain significance. Review status: criteria provided, multiple submitters, no conflicts (2 of 4 stars). 2 submissions from 2 submitters: Uncertain significance (2). Last evaluated 2022-06-27.

Allele frequency attached by ClinVar (database versions not stated): gnomAD exomes below 0.00001.
gnomAD v4.1: 1 of 1,590,784 alleles (0.000063%); highest among the groups gnomAD compares: Non-Finnish European, 0.000086%; no homozygotes.

Submissions (2):

GeneDx
Classification: Uncertain significance. Last evaluated: 2022-06-27. Review status: criteria provided, single submitter. Criteria: GeneDx Variant Classification Process June 2021. Collection method: clinical testing. Allele origin: germline. Affected: yes.
Comment: Not observed at significant frequency in large population cohorts (gnomAD); In silico analysis supports that this missense variant does not alter protein structure/function; Has not been previously published as pathogenic or benign to our knowledge

Eurofins Ntd Llc (ga)
Classification: Uncertain significance. Last evaluated: 2015-01-28. Review status: criteria provided, single submitter. Criteria: EGL Classification Definitions 2015. Collection method: clinical testing. Allele origin: germline. Observed: 2 variant alleles, 2 heterozygotes.

NM_003482.4(KMT2D):c.10889A>G (p.Lys3630Arg)

Gene: KMT2D (lysine methyltransferase 2D; minus strand). Cytogenetic location: 12q13.12.
Variant type: single nucleotide variant.
Coding change: c.10889A>G on transcript NM_003482.4 (MANE Select); coding-DNA position 10889, A replaced by G.
Protein change: p.Lys3630Arg; replaces lysine 3630 with arginine.
Molecular consequence: missense variant.
Genome position (GRCh38, 1-based): chr12:49,033,816, T>C on the plus strand (A>G on the coding strand, the complement: KMT2D is on the minus strand). VCF-style: chr12-49033816-T-C. GRCh37 (hg19) VCF-style: chr12-49427599-T-C.
Other names: short protein forms K3630R.
Identifiers: ClinVar variation 197072 (VCV000197072.6), dbSNP rs794727608, ClinGen allele CA245006.